The following is an entry in ClinVar:

NM_001360016.2(G6PD):c.[1347G>C;1360C>T]

Variant type: Haplotype.
Identifiers: ClinVar variation 1722628 (VCV001722628.2).

ClinVar aggregate classification (germline): Likely pathogenic (1 of 4 stars; one submission).

Conditions:
Anemia, nonspherocytic hemolytic, due to G6PD deficiency (CNSHA1). Also called: Hemolytic anemia due to G6PD deficiency; Favism, susceptibility to; Class I glucose-6-phosphate dehydrogenase deficiency; ANEMIA, CONGENITAL, NONSPHEROCYTIC HEMOLYTIC, 1. Identifiers: Orphanet 466026, MedGen C2720289, MONDO:0010480, OMIM 300908.

Submission:

Dunham Lab, University of Washington
Classification: Likely pathogenic for Anemia, nonspherocytic hemolytic, due to G6PD deficiency. Last evaluated: 2022-08-12. Review status: criteria provided, single submitter. Criteria: Bayesian ACMG Guidelines, 2018. Collection method: curation. Allele origin: unknown. Affected: yes.
Comment: Variant found in unrelated hemizygotes with G6PD deficiency (PP4, PS4_M). Decreased activity in red blood cells (1%) (PS3). Both SNPs below expected carrier frequency in gnomAD (PM2). Post_P 0.988 (odds of pathogenicity 729.3, Prior_P 0.1).

Literature cited by the submitters: PubMed 10782016.